The following is an entry in ClinVar:

ClinVar aggregate classification (germline): Uncertain significance (1 of 4 stars; one submission).

Submission:

Labcorp Genetics (formerly Invitae), Labcorp
Classification: Uncertain significance. Last evaluated: 2025-04-29. Review status: criteria provided, single submitter. Criteria: Invitae Variant Classification Sherloc (09022015). Collection method: clinical testing. Allele origin: germline.
Comment: This variant, c.4516_4521del, results in the deletion of 2 amino acid(s) of the LRP5 protein (p.Thr1506_Asp1507del), but otherwise preserves the integrity of the reading frame. This variant is not present in population databases (gnomAD no frequency). This variant has not been reported in the literature in individuals affected with LRP5-related conditions. ClinVar contains an entry for this variant (Variation ID: 1946843). This variant disrupts a region of the LRP5 protein in which other variant(s) (p.Thr1506Met) have been observed in individuals with LRP5-related conditions (PMID: 25711638). This suggests that this is a clinically significant region of the protein, and that variants that disrupt it are likely to be disease-causing. In summary, the available evidence is currently insufficient to determine the role of this variant in disease. Therefore, it has been classified as a Variant of Uncertain Significance.

Literature cited by the submitters: PubMed 25711638.

NM_002335.4(LRP5):c.4516_4521del (p.Thr1506_Asp1507del)

Gene: LRP5 (LDL receptor related protein 5; plus strand). Cytogenetic location: 11q13.2.
Variant type: Deletion.
Coding change: c.4516_4521del on transcript NM_002335.4 (MANE Select); coding-DNA positions 4516 to 4521, 6 bases deleted (ACGGAC; older notation c.4516_4521delACGGAC).
Protein change: p.Thr1506_Asp1507del.
Molecular consequence: inframe deletion.
Genome position (GRCh38, 1-based): chr11:68,446,463-68,446,468, ACGGAC deleted; deleting any 6 consecutive bases within chr11:68,446,462-68,446,468 gives the same sequence; the c. name uses the placement nearest the transcript's 3' end. VCF-style (leftmost placement, unchanged base first): chr11-68446461-CCACGGA-C. GRCh37 (hg19) VCF-style: chr11-68213929-CCACGGA-C.
Other names: c.2773_2778del, p.Thr925_Asp926del (NM_001291902.2).
Identifiers: ClinVar variation 1946843 (VCV001946843.5), dbSNP rs2098681450, ClinGen allele CA1980664438.